The following is an entry in ClinVar:

NM_078470.6(COX15):c.176C>G (p.Ser59Cys)

Gene: COX15 (cytochrome c oxidase assembly factor COX15; minus strand). Cytogenetic location: 10q24.2.
Variant type: single nucleotide variant.
Coding change: c.176C>G on transcript NM_078470.6 (MANE Select); coding-DNA position 176, C replaced by G.
Protein change: p.Ser59Cys; replaces serine 59 with cysteine.
Molecular consequence: missense variant. On other transcripts: non-coding transcript variant (1), 5 prime UTR variant (1).
Genome position (GRCh38, 1-based): chr10:99,729,649, G>C on the plus strand (C>G on the coding strand, the complement: COX15 is on the minus strand). VCF-style: chr10-99729649-G-C. GRCh37 (hg19) VCF-style: chr10-101489406-G-C.
Other names: c.176C>G, p.Ser59Cys (NM_001320974.2, NM_001320975.2, NM_001372024.1 and 5 more transcripts); c.-279C>G (NM_001320976.2); short protein forms S59C.
Identifiers: ClinVar variation 1996803 (VCV001996803.4), dbSNP rs2492735619, ClinGen allele CA378090137.
Genomic context (GRCh38, chr10:99,729,649, plus strand): 5'-GTTCCACTGCAGACCAGGAGCCATCGGCCCACCACCCGCTCAGCAGCCTTTGAGGGAAGG[G>C]ACACTGTACCCCTTCCAGATTGCAAAGCTACTTCAGAGATGGTGCTGTATTGCCCTGGCC-3'
Protein context (NP_510870.1, residues 49-69): VALQSGRGTV[Ser59Cys]LPSKAAERVV

ClinVar aggregate classification (germline): Uncertain significance (1 of 4 stars; one submission).

Submission:

Labcorp Genetics (formerly Invitae), Labcorp
Classification: Uncertain significance. Last evaluated: 2022-05-20. Review status: criteria provided, single submitter. Criteria: Invitae Variant Classification Sherloc (09022015). Collection method: clinical testing. Allele origin: germline.
Comment: In summary, the available evidence is currently insufficient to determine the role of this variant in disease. Therefore, it has been classified as a Variant of Uncertain Significance. Algorithms developed to predict the effect of missense changes on protein structure and function are either unavailable or do not agree on the potential impact of this missense change (SIFT: "Not Available"; PolyPhen-2: "Possibly Damaging"; Align-GVGD: "Not Available"). This variant has not been reported in the literature in individuals affected with COX15-related conditions. This variant is not present in population databases (gnomAD no frequency). This sequence change replaces serine, which is neutral and polar, with cysteine, which is neutral and slightly polar, at codon 59 of the COX15 protein (p.Ser59Cys).